The following is an entry in ClinVar:

ClinVar aggregate classification (germline): Uncertain significance. Review status: criteria provided, multiple submitters, no conflicts (2 of 4 stars). 3 submissions from 3 submitters: Uncertain significance (3). Last evaluated 2025-09-04.

Conditions:
Inborn genetic diseases. Identifiers: MedGen C0950123, MeSH D030342.

Allele frequency attached by ClinVar (database versions not stated): gnomAD 0.00001; TOPMed 0.00007; gnomAD exomes 0.00008 and 0.00016; ExAC 0.00012.
gnomAD v4.1: 48 of 1,612,704 alleles (0.003%); highest among the groups gnomAD compares: Admixed American, 0.079%; no homozygotes.

Submissions (3):

Ambry Genetics
Classification: Uncertain significance for Inborn genetic diseases. Last evaluated: 2025-09-04. Review status: criteria provided, single submitter. Criteria: Ambry Variant Classification Scheme 2023. Collection method: clinical testing. Allele origin: germline.

Labcorp Genetics (formerly Invitae), Labcorp
Classification: Uncertain significance. Last evaluated: 2022-10-25. Review status: criteria provided, single submitter. Criteria: Invitae Variant Classification Sherloc (09022015). Collection method: clinical testing. Allele origin: germline.
Comment: This sequence change replaces alanine, which is neutral and non-polar, with threonine, which is neutral and polar, at codon 5 of the ATF6 protein (p.Ala5Thr). This variant is present in population databases (rs746651824, gnomAD 0.1%). This variant has not been reported in the literature in individuals affected with ATF6-related conditions. ClinVar contains an entry for this variant (Variation ID: 1022959). Algorithms developed to predict the effect of missense changes on protein structure and function are either unavailable or do not agree on the potential impact of this missense change (SIFT: "Deleterious"; PolyPhen-2: "Benign"; Align-GVGD: "Class C0"). In summary, the available evidence is currently insufficient to determine the role of this variant in disease. Therefore, it has been classified as a Variant of Uncertain Significance.

Blueprint Genetics
Classification: Uncertain significance. Last evaluated: 2019-08-23. Review status: criteria provided, single submitter. Criteria: ACMG Guidelines, 2015. Collection method: clinical testing. Allele origin: germline.

NM_007348.4(ATF6):c.13G>A (p.Ala5Thr)

Gene: ATF6 (activating transcription factor 6; plus strand). Cytogenetic location: 1q23.3.
Variant type: single nucleotide variant.
Coding change: c.13G>A on transcript NM_007348.4 (MANE Select); coding-DNA position 13, G replaced by A.
Protein change: p.Ala5Thr; replaces alanine 5 with threonine.
Molecular consequence: missense variant.
Genome position (GRCh38, 1-based): chr1:161,766,373, G>A. VCF-style: chr1-161766373-G-A. GRCh37 (hg19) VCF-style: chr1-161736163-G-A.
Other names: c.13G>A (NM_007348.3); short protein forms A5T.
Identifiers: ClinVar variation 1022959 (VCV001022959.4), dbSNP rs746651824, ClinGen allele CA1214056.